The following is an entry in ClinVar:

ClinVar aggregate classification (germline): Uncertain significance (1 of 4 stars; one submission).

Conditions:
Inborn genetic diseases. Identifiers: MedGen C0950123, MeSH D030342.

Submission:

Ambry Genetics
Classification: Uncertain significance for Inborn genetic diseases. Last evaluated: 2026-07-11. Review status: criteria provided, single submitter. Criteria: Ambry Variant Classification Scheme 2023. Collection method: clinical testing. Allele origin: germline.
Comment: The p.V471M variant (also known as c.1411G>A), located in coding exon 6 of the MBD4 gene, results from a G to A substitution at nucleotide position 1411. The valine at codon 471 is replaced by methionine, an amino acid with highly similar properties. This amino acid position is conserved. In addition, this alteration is predicted to be deleterious by in silico analysis. Based on the available evidence, the clinical significance of this variant remains unclear.

NM_001276270.2(MBD4):c.1411G>A (p.Val471Met)

Gene: MBD4 (methyl-CpG binding domain 4, DNA glycosylase; minus strand). Cytogenetic location: 3q21.3.
Variant type: single nucleotide variant.
Coding change: c.1411G>A on transcript NM_001276270.2 (MANE Select); coding-DNA position 1411, G replaced by A.
Protein change: p.Val471Met; replaces valine 471 with methionine.
Molecular consequence: missense variant.
Genome position (GRCh38, 1-based): chr3:129,433,230, C>T on the plus strand (G>A on the coding strand, the complement: MBD4 is on the minus strand). VCF-style: chr3-129433230-C-T. GRCh37 (hg19) VCF-style: chr3-129152073-C-T.
Other names: c.1429G>A, p.Val477Met (NM_001276271.2, NM_001276272.2, NM_003925.3); c.475G>A, p.Val159Met (NM_001276273.2); short protein forms V159M, V477M, V471M.
Identifiers: ClinVar variation 5024019 (VCV005024019.1).
Genomic context (GRCh38, chr3:129,433,230, plus strand): 5'-TCCAGTCTGCGGTTCTTGCTACCTCAGCTGAAGGATACTTCTCCAGAAACTTCCAAAGCA[C>T]AGGTATTGCCATTTTGCCTGGGAAGTAAAAGTAACTGAATGATTACAAGACTCCAGGTGG-3'
Protein context (NP_001263199.1, residues 461-481): NRTSGKMAIP[Val471Met]LWKFLEKYPS